The following is an entry in ClinVar:

ClinVar aggregate classification (germline): Uncertain significance. Review status: criteria provided, multiple submitters, no conflicts (2 of 4 stars). 2 submissions from 2 submitters: Uncertain significance (2). Last evaluated 2025-05-07.

Conditions:
Inborn genetic diseases. Identifiers: MedGen C0950123, MeSH D030342.

Allele frequency attached by ClinVar (database versions not stated): TOPMed 0.00004; ExAC 0.00011; gnomAD 0.00002.
gnomAD v4.1: 32 of 1,595,136 alleles (0.002%); highest among the groups gnomAD compares: East Asian, 0.064%; no homozygotes.

Submissions (2):

Ambry Genetics
Classification: Uncertain significance for Inborn genetic diseases. Last evaluated: 2025-05-07. Review status: criteria provided, single submitter. Criteria: Ambry Variant Classification Scheme 2023. Collection method: clinical testing. Allele origin: germline.

Labcorp Genetics (formerly Invitae), Labcorp
Classification: Uncertain significance. Last evaluated: 2024-09-30. Review status: criteria provided, single submitter. Criteria: Invitae Variant Classification Sherloc (09022015). Collection method: clinical testing. Allele origin: germline.
Comment: This sequence change replaces arginine, which is basic and polar, with cysteine, which is neutral and slightly polar, at codon 8 of the TSFM protein (p.Arg8Cys). This variant is present in population databases (rs755773165, gnomAD 0.1%). This variant has not been reported in the literature in individuals affected with TSFM-related conditions. ClinVar contains an entry for this variant (Variation ID: 2073038). An algorithm developed to predict the effect of missense changes on protein structure and function (PolyPhen-2) suggests that this variant is likely to be disruptive. In summary, the available evidence is currently insufficient to determine the role of this variant in disease. Therefore, it has been classified as a Variant of Uncertain Significance.

NM_005726.6(TSFM):c.22C>T (p.Arg8Cys)

Gene: TSFM (Ts translation elongation factor, mitochondrial; plus strand). Cytogenetic location: 12q14.1.
Variant type: single nucleotide variant.
Coding change: c.22C>T on transcript NM_005726.6 (MANE Select); coding-DNA position 22, C replaced by T.
Protein change: p.Arg8Cys; replaces arginine 8 with cysteine.
Molecular consequence: missense variant.
Genome position (GRCh38, 1-based): chr12:57,782,823, C>T. VCF-style: chr12-57782823-C-T. GRCh37 (hg19) VCF-style: chr12-58176606-C-T.
Other names: c.22C>T, p.Arg8Cys (NM_001172695.2, NM_001172696.2, NM_001172697.2); short protein forms R8C.
Identifiers: ClinVar variation 2073038 (VCV002073038.4), dbSNP rs755773165, ClinGen allele CA6659179.